The following is an entry in ClinVar:

ClinVar aggregate classification (germline): Conflicting classifications of pathogenicity. Review status: criteria provided, conflicting classifications (1 of 4 stars). 3 submissions from 3 submitters: Pathogenic (1); Likely pathogenic (1); Uncertain significance (1). Last evaluated 2021-07-15.

Conditions:
Cornelia de Lange syndrome 1 (CDLS1). Also called: Brachmann de Lange syndrome; NIPBL-Related Cornelia de Lange Syndrome; TYPUS DEGENERATIVUS AMSTELODAMENSIS. Identifiers: Orphanet 199, MedGen C4551851, MONDO:0007387, OMIM 122470.

Submissions (3):

Genome-Nilou Lab
Classification: Likely pathogenic for Cornelia de Lange syndrome 1. Last evaluated: 2021-07-15. Review status: criteria provided, single submitter. Criteria: ACMG Guidelines, 2015. Collection method: clinical testing. Allele origin: germline. Affected: no.

Labcorp Genetics (formerly Invitae), Labcorp
Classification: Uncertain significance for Cornelia de Lange syndrome 1. Last evaluated: 2018-12-11. Review status: criteria provided, single submitter. Criteria: Invitae Variant Classification Sherloc (09022015). Collection method: clinical testing. Allele origin: germline.
Comment: This sequence change replaces asparagine with isoleucine at codon 2236 of the NIPBL protein (p.Asn2236Ile). The asparagine residue is moderately conserved and there is a large physicochemical difference between asparagine and isoleucine. This variant is not present in population databases (ExAC no frequency). This variant has been observed to be de novo in an individual affected with Cornelia de Lange syndrome (PMID:Â¬â€ 15591270). ClinVar contains an entry for this variant (Variation ID: 159208). Algorithms developed to predict the effect of missense changes on protein structure and function are either unavailable or do not agree on the potential impact of this missense change (SIFT: "Deleterious"; PolyPhen-2: "Probably Damaging"; Align-GVGD: "Class C0"). In summary, the available evidence is currently insufficient to determine the role of this variant in disease. Therefore, it has been classified as a Variant of Uncertain Significance.

Genetic Services Laboratory, University of Chicago
Classification: Pathogenic for Cornelia de Lange syndrome 1. Last evaluated: 2014-03-05. Review status: criteria provided, single submitter. Criteria: ACMG Guidelines, 2007. Collection method: clinical testing. Allele origin: germline. Inheritance: Autosomal dominant inheritance. Affected: yes.

NM_133433.4(NIPBL):c.6707A>T (p.Asn2236Ile)

Gene: NIPBL (NIPBL cohesin loading factor; plus strand). Cytogenetic location: 5p13.2.
Variant type: single nucleotide variant.
Coding change: c.6707A>T on transcript NM_133433.4 (MANE Select); coding-DNA position 6707, A replaced by T.
Protein change: p.Asn2236Ile; replaces asparagine 2236 with isoleucine.
Molecular consequence: missense variant.
Genome position (GRCh38, 1-based): chr5:37,048,619, A>T. VCF-style: chr5-37048619-A-T. GRCh37 (hg19) VCF-style: chr5-37048721-A-T.
Other names: c.6707A>T, p.Asn2236Ile (NM_015384.5); short protein forms N2236I.
Identifiers: ClinVar variation 159208 (VCV000159208.9), dbSNP rs587784023, ClinGen allele CA272258.